The following is an entry in ClinVar:

ClinVar aggregate classification (germline): Pathogenic. Review status: criteria provided, multiple submitters, no conflicts (2 of 4 stars). 3 submissions from 3 submitters: Pathogenic (3). Last evaluated 2023-08-24.

Conditions:
Inborn genetic diseases. Identifiers: MedGen C0950123, MeSH D030342.
Wilms tumor 1 (WT1). Also called: Wilms tumor, somatic. Identifiers: Orphanet 654, MedGen CN033288, MONDO:0008679, OMIM 194070.

Submissions (3):

Labcorp Genetics (formerly Invitae), Labcorp
Classification: Pathogenic for Wilms tumor 1. Last evaluated: 2023-08-24. Review status: criteria provided, single submitter. Criteria: Invitae Variant Classification Sherloc (09022015). Collection method: clinical testing. Allele origin: germline.
Comment: This sequence change creates a premature translational stop signal (p.Arg86*) in the GPC3 gene. It is expected to result in an absent or disrupted protein product. Loss-of-function variants in GPC3 are known to be pathogenic (PMID: 10402475, 12713262, 17603795). This variant is not present in population databases (gnomAD no frequency). This premature translational stop signal has been observed in individuals with Simpson-Golabi-Behmel syndrome (PMID: 17603795, 20683991, 20950395). It has also been observed to segregate with disease in related individuals. ClinVar contains an entry for this variant (Variation ID: 935437). For these reasons, this variant has been classified as Pathogenic.

Institute of Medical Genetics and Applied Genomics, University Hospital Tübingen
Classification: Pathogenic. Last evaluated: 2021-06-17. Review status: criteria provided, single submitter. Criteria: ACMG Guidelines, 2015. Collection method: clinical testing. Allele origin: germline. Inheritance: X-linked recessive inheritance. Affected: yes.

Ambry Genetics
Classification: Pathogenic for Inborn genetic diseases. Last evaluated: 2017-12-18. Review status: criteria provided, single submitter. Criteria: Ambry exome assertion method (8-5-2015). Collection method: clinical testing. Allele origin: germline. Affected: yes. Observed: 1 variant allele.

Literature cited by the submitters: PubMed 10402475 (cited by Labcorp Genetics (formerly Invitae), Labcorp); PubMed 12713262 (cited by Labcorp Genetics (formerly Invitae), Labcorp); PubMed 17603795 (cited by Labcorp Genetics (formerly Invitae), Labcorp and Ambry Genetics); PubMed 20683991 (cited by Labcorp Genetics (formerly Invitae), Labcorp); PubMed 20950395 (cited by Labcorp Genetics (formerly Invitae), Labcorp).

NM_004484.4(GPC3):c.256C>T (p.Arg86Ter)

Gene: GPC3 (glypican 3; minus strand). Cytogenetic location: Xq26.2.
Variant type: single nucleotide variant.
Coding change: c.256C>T on transcript NM_004484.4 (MANE Select); coding-DNA position 256, C replaced by T.
Protein change: p.Arg86Ter; replaces arginine 86 with a stop codon.
Molecular consequence: nonsense. On other transcripts: intron variant (1).
Genome position (GRCh38, 1-based): chrX:133,953,131, G>A on the plus strand (C>T on the coding strand, the complement: GPC3 is on the minus strand). VCF-style: chrX-133953131-G-A. GRCh37 (hg19) VCF-style: chrX-133087158-G-A.
Other names: c.256C>T, p.Arg86Ter (NM_001164617.2, NM_001164618.2); c.175+32144C>T (NM_001164619.2); short protein forms R86*.
Identifiers: ClinVar variation 935437 (VCV000935437.12), dbSNP rs2076400520, ClinGen allele CA414707445.